The following is an entry in ClinVar:

NM_001905.4(CTPS1):c.1757del (p.Pro586fs)

Gene: CTPS1 (CTP synthase 1; plus strand). Cytogenetic location: 1p34.2.
Variant type: Deletion.
Coding change: c.1757del on transcript NM_001905.4 (MANE Select); coding-DNA position 1757, one base deleted (C; older notation c.1757delC).
Protein change: p.Pro586fs; shifts the reading frame from proline 586.
Molecular consequence: frameshift variant. On other transcripts: non-coding transcript variant (1).
Genome position (GRCh38, 1-based): chr1:41,010,226, C deleted; the last of 2 consecutive C bases (chr1:41,010,225-41,010,226); deleting either gives the same sequence. VCF-style (leftmost placement, unchanged base first): chr1-41010224-TC-T. GRCh37 (hg19) VCF-style: chr1-41475896-TC-T.
Other names: c.1289del, p.Pro430fs (NM_001301237.2); short protein forms P586fs, P430fs.
Identifiers: ClinVar variation 3015428 (VCV003015428.3), dbSNP rs1643136255, ClinGen allele CA913074804.
Genomic context (GRCh38, chr1:41,010,224, plus strand): 5'-CACCTATAGTGACAGGAGTGGAAGCAGCTCCCCTGACTCTGAAATCACCGAACTGAAGTT[TC>T]CATCAATAAATCATGACTGATCTTGTAGCGTAAGTGGTACTTTAAAGTTTTAGTTTTTAA-3'

ClinVar aggregate classification (germline): Uncertain significance (1 of 4 stars; one submission).

Conditions:
Combined immunodeficiency due to CTPS1 deficiency. Also called: Immunodeficiency 24; Severe combined immunodeficiency due to CTPS1 deficiency. Identifiers: Orphanet 420573, MedGen C4014617, MONDO:0014391, OMIM 615897.

Submission:

Labcorp Genetics (formerly Invitae), Labcorp
Classification: Uncertain significance for Combined immunodeficiency due to CTPS1 deficiency. Last evaluated: 2025-12-14. Review status: criteria provided, single submitter. Criteria: Invitae Variant Classification Sherloc (09022015). Collection method: clinical testing. Allele origin: germline.
Comment: This sequence change creates a premature translational stop signal (p.Pro586Hisfs*3) in the CTPS1 gene. While this is not anticipated to result in nonsense mediated decay, it is expected to disrupt the last 6 amino acid(s) of the CTPS1 protein. This variant is not present in population databases (gnomAD no frequency). This variant has not been reported in the literature in individuals affected with CTPS1-related conditions. ClinVar contains an entry for this variant (Variation ID: 3015428). Experimental studies and prediction algorithms are not available or were not evaluated, and the functional significance of this variant is currently unknown. In summary, the available evidence is currently insufficient to determine the role of this variant in disease. Therefore, it has been classified as a Variant of Uncertain Significance.